The following is an entry in ClinVar:

ClinVar aggregate classification (germline): Uncertain significance (1 of 4 stars; one submission).

Submission:

GeneDx
Classification: Uncertain significance. Last evaluated: 2023-06-07. Review status: criteria provided, single submitter. Criteria: GeneDx Variant Classification Process June 2021. Collection method: clinical testing. Allele origin: germline. Affected: yes.
Comment: Not observed at significant frequency in large population cohorts (gnomAD); In silico analysis supports that this missense variant has a deleterious effect on protein structure/function; Has not been previously published as pathogenic or benign to our knowledge

NM_001792.5(CDH2):c.1522G>C (p.Glu508Gln)

Gene: CDH2 (cadherin 2; minus strand). Cytogenetic location: 18q12.1.
Variant type: single nucleotide variant.
Coding change: c.1522G>C on transcript NM_001792.5 (MANE Select); coding-DNA position 1522, G replaced by C.
Protein change: p.Glu508Gln; replaces glutamic acid 508 with glutamine.
Molecular consequence: missense variant.
Genome position (GRCh38, 1-based): chr18:27,990,173, C>G on the plus strand (G>C on the coding strand, the complement: CDH2 is on the minus strand). VCF-style: chr18-27990173-C-G. GRCh37 (hg19) VCF-style: chr18-25570137-C-G.
Other names: c.1429G>C, p.Glu477Gln (NM_001308176.2); short protein forms E477Q, E508Q.
Identifiers: ClinVar variation 3359501 (VCV003359501.1).